The following is an entry in ClinVar:

NM_000444.6(PHEX):c.2071-5T>A

Genes: PHEX (phosphate regulating endopeptidase homolog X-linked; plus strand), PTCHD1-AS (PTCHD1 antisense RNA (head to head); minus strand). Cytogenetic location: Xp22.11.
Variant type: single nucleotide variant.
Coding change: c.2071-5T>A on transcript NM_000444.6 (MANE Select); 5 bases into the intron before coding-DNA position 2071, T replaced by A.
Molecular consequence: intron variant.
Genome position (GRCh38, 1-based): chrX:22,245,328, T>A. VCF-style: chrX-22245328-T-A. GRCh37 (hg19) VCF-style: chrX-22263445-T-A.
Other names: c.2071-2523T>A (NM_001282754.2).
Identifiers: ClinVar variation 508218 (VCV000508218.1), dbSNP rs1556200942, ClinGen allele CA658799623.

ClinVar aggregate classification (germline): Likely benign (1 of 4 stars; one submission).

Submission:

GeneDx
Classification: Likely benign. Last evaluated: 2017-03-14. Review status: criteria provided, single submitter. Criteria: GeneDx Variant Classification (06012015). Collection method: clinical testing. Allele origin: germline. Affected: yes.
Comment: This variant is considered likely benign or benign based on one or more of the following criteria: it is a conservative change, it occurs at a poorly conserved position in the protein, it is predicted to be benign by multiple in silico algorithms, and/or has population frequency not consistent with disease.